The following is an entry in ClinVar:

NM_003482.4(KMT2D):c.6929C>A (p.Pro2310His)

Gene: KMT2D (lysine methyltransferase 2D; minus strand). Cytogenetic location: 12q13.12.
Variant type: single nucleotide variant.
Coding change: c.6929C>A on transcript NM_003482.4 (MANE Select); coding-DNA position 6929, C replaced by A.
Protein change: p.Pro2310His; replaces proline 2310 with histidine.
Molecular consequence: missense variant.
Genome position (GRCh38, 1-based): chr12:49,040,841, G>T on the plus strand (C>A on the coding strand, the complement: KMT2D is on the minus strand). VCF-style: chr12-49040841-G-T. GRCh37 (hg19) VCF-style: chr12-49434624-G-T.
Other names: short protein forms P2310H.
Identifiers: ClinVar variation 1300348 (VCV001300348.10), dbSNP rs752346893, ClinGen allele CA6547154.

ClinVar aggregate classification (germline): Conflicting classifications of pathogenicity. Review status: criteria provided, conflicting classifications (1 of 4 stars). 2 submissions from 2 submitters: Uncertain significance (1); Benign (1). Last evaluated 2024-08-13.

Conditions:
Kabuki syndrome. Also called: Kabuki make-up syndrome; NIIKAWA-KUROKI SYNDROME. Identifiers: Orphanet 2322, MedGen C0796004, MONDO:0016512.

Allele frequency attached by ClinVar (database versions not stated): gnomAD 0.00001; ExAC 0.00004.
gnomAD v4.1: 8 of 1,613,648 alleles (0.0005%); highest among the groups gnomAD compares: Admixed American, 0.013%; no homozygotes.

Submissions (2):

Labcorp Genetics (formerly Invitae), Labcorp
Classification: Benign for Kabuki syndrome. Last evaluated: 2024-08-13. Review status: criteria provided, single submitter. Criteria: Invitae Variant Classification Sherloc (09022015). Collection method: clinical testing. Allele origin: germline.

GeneDx
Classification: Uncertain significance. Last evaluated: 2023-04-10. Review status: criteria provided, single submitter. Criteria: GeneDx Variant Classification Process June 2021. Collection method: clinical testing. Allele origin: germline. Affected: yes.
Comment: In silico analysis supports that this missense variant has a deleterious effect on protein structure/function; Has not been previously published as pathogenic or benign to our knowledge